The following is an entry in ClinVar:

NM_000018.4(ACADVL):c.79_100del (p.Leu27fs)

Genes: ACADVL (acyl-CoA dehydrogenase very long chain; plus strand), LOC130060113 (ATAC-STARR-seq lymphoblastoid silent region 8088; plus strand). Cytogenetic location: 17p13.1.
Variant type: Deletion.
Coding change: c.79_100del on transcript NM_000018.4 (MANE Select); coding-DNA positions 79 to 100, 22 bases deleted (CTCCTGGGGCAGCCCCGGCCCG).
Protein change: p.Leu27fs; shifts the reading frame from leucine 27.
Molecular consequence: frameshift variant. On other transcripts: 5 prime UTR variant (1).
Genome position (GRCh38, 1-based): chr17:7,220,138-7,220,159, CTCCTGGGGCAGCCCCGGCCCG deleted; deleting any 22 consecutive bases within chr17:7,220,136-7,220,159 gives the same sequence; the c. name uses the placement nearest the transcript's 3' end. VCF-style (leftmost placement, unchanged base first): chr17-7220135-GCGCTCCTGGGGCAGCCCCGGCC-G. GRCh37 (hg19) VCF-style: chr17-7123454-GCGCTCCTGGGGCAGCCCCGGCC-G.
Other names: NM_000018.4(ACADVL):c.79_100del; p.Leu27fs; c.79_100del, p.Leu27fs (NM_001033859.3); c.148_169del, p.Leu50fs (NM_001270447.2); c.-150_-129del (NM_001270448.2); short protein forms L27fs, L50fs.
Identifiers: ClinVar variation 932830 (VCV000932830.4), dbSNP rs2071119862, ClinGen allele CA1139665134.

ClinVar aggregate classification (germline): Likely pathogenic. Review status: reviewed by expert panel (3 of 4 stars). 2 submissions from 2 submitters: Likely pathogenic (1). 1 of the submissions does not count toward it. Last evaluated 2022-04-06.

Conditions:
Very long chain acyl-CoA dehydrogenase deficiency (ACADVLD). Also called: Very Long-Chain Acyl-Coenzyme A Dehydrogenase Deficiency; VLCAD Deficiency. Identifiers: Orphanet 26793, MedGen C3887523, MONDO:0008723, OMIM 201475.

Submissions (2):

ClinGen ACADVL Variant Curation Expert Panel, ClinGen
Classification: Likely pathogenic for Very long chain acyl-CoA dehydrogenase deficiency. Last evaluated: 2022-04-06. Review status: reviewed by expert panel. Criteria: clingen acadvl acmg specifications v1. Collection method: curation. Allele origin: germline. Inheritance: Autosomal recessive inheritance.
Comment: The c.79_100del (p.Leu27fs) (NM_000018.4) variant in ACADVL is a frameshift variant predicted to cause a premature stop codon in biologically-relevant-exon 2/20 leading to nonsense mediated decay in a gene in which loss-of-function is an established disease mechanism (PVS1; PMIDs: 9973285, 11590124). This variant is absent from gnomAD 2.1.1 (PM2_Supporting). To our knowledge, functional assays have not been reported for this variant. To our knowledge, this variant has not been reported in the literature in any individuals with VLCADD. In summary, this variant has been classified as pathogenic for autosomal recessive very long chain acyl-CoA dehydrogenase deficiency based on the ACMG/AMP criteria applied, as specified by the ClinGen ACADVL Curation Expert Panel: PVS1, PM2_Supporting (ACADVL VCEP specifications v2.0; Approved on 12/10/2021).

Wong Mito Lab, Molecular and Human Genetics, Baylor College of Medicine
Classification: Pathogenic for Very long chain acyl-CoA dehydrogenase deficiency. Last evaluated: 2019-11-01. Review status: criteria provided, single submitter. Criteria: ACMG Guidelines, 2015. Collection method: clinical testing. Allele origin: germline. Not counted in ClinVar's aggregate classification.
Comment: The NM_000018.3:c.79_100del22 (NP_000009.1:p.Leu27AlafsTer27) [GRCH38: NC_000017.11:g.7220138_7220159delCTCCTGGGGCAGCCCCGGCCCG] variant in ACADVL gene is interpretated to be Pathogenic based on ACMG guidelines (PMID: 25741868). This variant has been reported. This variant meets the following evidence codes reported in the ACMG guidelines: PVS1, PS3